The following is an entry in ClinVar:

NM_005732.4(RAD50):c.2281A>G (p.Ile761Val)

Gene: RAD50 (RAD50 double strand break repair protein; plus strand). Cytogenetic location: 5q31.1.
Variant type: single nucleotide variant.
Coding change: c.2281A>G on transcript NM_005732.4 (MANE Select); coding-DNA position 2281, A replaced by G.
Protein change: p.Ile761Val; replaces isoleucine 761 with valine.
Molecular consequence: missense variant.
Genome position (GRCh38, 1-based): chr5:132,603,373, A>G. VCF-style: chr5-132603373-A-G. GRCh37 (hg19) VCF-style: chr5-131939065-A-G.
Other names: short protein forms I761V.
Identifiers: ClinVar variation 1025005 (VCV001025005.12), dbSNP rs1750921919, ClinGen allele CA360954287.

ClinVar aggregate classification (germline): Uncertain significance. Review status: criteria provided, multiple submitters, no conflicts (2 of 4 stars). 3 submissions from 3 submitters: Uncertain significance (3). Last evaluated 2023-10-11.

Conditions:
Hereditary cancer-predisposing syndrome. Also called: Hereditary Cancer Syndrome; Neoplastic Syndromes, Hereditary; Tumor predisposition; Hereditary neoplastic syndrome. Identifiers: Orphanet 140162, MedGen C0027672, MeSH D009386, MONDO:0015356.
Nijmegen breakage syndrome-like disorder (NBSLD). Also called: MICROCEPHALY AND SPONTANEOUS CHROMOSOME INSTABILITY WITHOUT IMMUNODEFICIENCY; NBS-LIKE DISORDER; RAD50 DEFICIENCY. Identifiers: Orphanet 240760, MedGen C2751318, MONDO:0013118, OMIM 613078.

Allele frequency attached by ClinVar (database versions not stated): gnomAD exomes below 0.00001.
gnomAD v4.1: 1 of 1,613,872 alleles (0.000062%); highest among the groups gnomAD compares: East Asian, 0.0022%; no homozygotes.

Submissions (3):

Baylor Genetics
Classification: Uncertain significance for Nijmegen breakage syndrome-like disorder. Last evaluated: 2023-10-11. Review status: criteria provided, single submitter. Criteria: ACMG Guidelines, 2015. Collection method: clinical testing. Allele origin: unknown.

Ambry Genetics
Classification: Uncertain significance for Hereditary cancer-predisposing syndrome. Last evaluated: 2022-07-04. Review status: criteria provided, single submitter. Criteria: Ambry Variant Classification Scheme 2023. Collection method: clinical testing. Allele origin: germline.
Comment: The p.I761V variant (also known as c.2281A>G), located in coding exon 14 of the RAD50 gene, results from an A to G substitution at nucleotide position 2281. The isoleucine at codon 761 is replaced by valine, an amino acid with highly similar properties. This amino acid position is conserved. In addition, this alteration is predicted to be tolerated by in silico analysis. Since supporting evidence is limited at this time, the clinical significance of this alteration remains unclear.

Labcorp Genetics (formerly Invitae), Labcorp
Classification: Uncertain significance for Hereditary cancer-predisposing syndrome. Last evaluated: 2020-06-04. Review status: criteria provided, single submitter. Criteria: Invitae Variant Classification Sherloc (09022015). Collection method: clinical testing. Allele origin: germline.
Comment: In summary, the available evidence is currently insufficient to determine the role of this variant in disease. Therefore, it has been classified as a Variant of Uncertain Significance. Algorithms developed to predict the effect of missense changes on protein structure and function (SIFT, PolyPhen-2, Align-GVGD) all suggest that this variant is likely to be tolerated, but these predictions have not been confirmed by published functional studies and their clinical significance is uncertain. This variant has not been reported in the literature in individuals with RAD50-related conditions. This variant is not present in population databases (ExAC no frequency). This sequence change replaces isoleucine with valine at codon 761 of the RAD50 protein (p.Ile761Val). The isoleucine residue is moderately conserved and there is a small physicochemical difference between isoleucine and valine.